The following is an entry in ClinVar:

NM_006086.4(TUBB3):c.1267C>T (p.Gln423Ter)

Gene: TUBB3 (tubulin beta 3 class III; plus strand). Cytogenetic location: 16q24.3.
Variant type: single nucleotide variant.
Coding change: c.1267C>T on transcript NM_006086.4 (MANE Select); coding-DNA position 1267, C replaced by T.
Protein change: p.Gln423Ter; replaces glutamine 423 with a stop codon.
Molecular consequence: nonsense.
Genome position (GRCh38, 1-based): chr16:89,935,718, C>T. VCF-style: chr16-89935718-C-T. GRCh37 (hg19) VCF-style: chr16-90002126-C-T.
Other names: c.1051C>T, p.Gln351Ter (NM_001197181.2); short protein forms Q351*, Q423*.
Identifiers: ClinVar variation 1312949 (VCV001312949.4), dbSNP rs2151093129, ClinGen allele CA397477110.
Genomic context (GRCh38, chr16:89,935,718, plus strand): 5'-ATGGACGAGATGGAGTTCACCGAGGCCGAGAGCAACATGAACGACCTGGTGTCCGAGTAC[C>T]AGCAGTACCAGGACGCCACGGCCGAGGAAGAGGGCGAGATGTACGAAGACGACGAGGAGG-3'

ClinVar aggregate classification (germline): Uncertain significance. Review status: criteria provided, multiple submitters, no conflicts (2 of 4 stars). 2 submissions from 2 submitters: Uncertain significance (2). Last evaluated 2023-10-27.

gnomAD v4.1: 2 of 1,613,922 alleles (0.00012%); highest among the groups gnomAD compares: Non-Finnish European, 0.00017%; no homozygotes.

Submissions (2):

GeneDx
Classification: Uncertain significance. Last evaluated: 2023-10-27. Review status: criteria provided, single submitter. Criteria: GeneDx Variant Classification Process June 2021. Collection method: clinical testing. Allele origin: germline. Affected: yes.
Comment: Not observed at significant frequency in large population cohorts (gnomAD); Nonsense variant predicted to result in protein truncation as the last 28 amino acids are lost, although loss-of-function variants have not been reported downstream of this position in the protein; Has not been previously published as pathogenic or benign to our knowledge; This variant is associated with the following publications: (PMID: 20829227)

Women's Health and Genetics/Laboratory Corporation of America, LabCorp
Classification: Uncertain significance. Last evaluated: 2023-06-23. Review status: criteria provided, single submitter. Criteria: LabCorp Variant Classification Summary - May 2015. Collection method: clinical testing. Allele origin: germline.
Comment: Variant summary: TUBB3 c.1267C>T (p.Gln423X) results in a premature termination codon and is predicted to cause a truncation of the encoded protein, which is a commonly known mechanism for disease. Although the variant is not expected to cause absence of the protein through nonsense mediated decay, the variant is predicted to disrupt the last 27 amino acids in the protein sequence. To our knowledge, no pathogenic variants have been reported downstream of this truncation. The variant was absent in 251260 control chromosomes (gnomAD). To our knowledge, no occurrence of c.1267C>T in individuals affected with Cortical Dysplasia, Complex, With Other Brain Malformations 1 and no experimental evidence demonstrating its impact on protein function have been reported. One ClinVar submitter has assessed the variant since 2014, and classified the variant as uncertain significance. Based on the evidence outlined above, the variant was classified as uncertain significance.